The following is an entry in ClinVar:

NM_182961.4(SYNE1):c.6382-63A>G

Gene: SYNE1 (spectrin repeat containing nuclear envelope protein 1; minus strand). Cytogenetic location: 6q25.2.
Variant type: single nucleotide variant.
Coding change: c.6382-63A>G on transcript NM_182961.4 (MANE Select); 63 bases into the intron before coding-DNA position 6382, A replaced by G.
Molecular consequence: intron variant.
Genome position (GRCh38, 1-based): chr6:152,409,289, T>C on the plus strand (A>G on the coding strand, the complement: SYNE1 is on the minus strand). VCF-style: chr6-152409289-T-C. GRCh37 (hg19) VCF-style: chr6-152730424-T-C.
Other names: c.6403-63A>G (NM_033071.5).
Identifiers: ClinVar variation 676378 (VCV000676378.2), dbSNP rs79377201, ClinGen allele CA150204220.

ClinVar aggregate classification (germline): Likely benign. Review status: criteria provided, multiple submitters, no conflicts (2 of 4 stars). 2 submissions from 2 submitters: Likely benign (2). Last evaluated 2018-06-19.

Allele frequency attached by ClinVar (database versions not stated): gnomAD exomes 0.00137; gnomAD 0.01407 and 0.01490; TOPMed 0.01613; 1000 Genomes Project 0.01777; 1000 Genomes Project 30x 0.01827.
gnomAD v4.1: 4,090 of 1,525,582 alleles (0.27%); highest among the groups gnomAD compares: African/African-American, 4.9%; 96 homozygotes.

Submissions (2):

GeneDx
Classification: Likely benign. Last evaluated: 2018-06-19. Review status: criteria provided, single submitter. Criteria: GeneDx Variant Classification (06012015). Collection method: clinical testing. Allele origin: germline. Affected: yes.
Comment: This variant is considered likely benign or benign based on one or more of the following criteria: it is a conservative change, it occurs at a poorly conserved position in the protein, it is predicted to be benign by multiple in silico algorithms, and/or has population frequency not consistent with disease.

Breakthrough Genomics
Classification: Likely benign. Review status: criteria provided, single submitter. Criteria: ACMG Guidelines, 2015. Collection method: not provided. Allele origin: germline. Inheritance: Autosomal recessive inheritance. Affected: yes.